The following is an entry in ClinVar:

ClinVar aggregate classification (germline): Uncertain significance (1 of 4 stars; one submission).

Conditions:
Peroxisome biogenesis disorder 7A (Zellweger). Also called: Peroxisome biogenesis disorder 7A. Identifiers: Orphanet 912, MedGen C3888385, MONDO:0013938, OMIM 614872.
Peroxisome biogenesis disorder 7B (PBD7B). Identifiers: Orphanet 44, MedGen C3553951, MONDO:0013939, OMIM 614873.

Submission:

Labcorp Genetics (formerly Invitae), Labcorp
Classification: Uncertain significance for Peroxisome biogenesis disorder 7A (Zellweger); Peroxisome biogenesis disorder 7B. Last evaluated: 2024-01-02. Review status: criteria provided, single submitter. Criteria: Invitae Variant Classification Sherloc (09022015). Collection method: clinical testing. Allele origin: germline.
Comment: This sequence change replaces alanine, which is neutral and non-polar, with glycine, which is neutral and non-polar, at codon 75 of the PEX26 protein (p.Ala75Gly). This variant is not present in population databases (gnomAD no frequency). This variant has not been reported in the literature in individuals affected with PEX26-related conditions. ClinVar contains an entry for this variant (Variation ID: 2001403). Advanced modeling of protein sequence and biophysical properties (such as structural, functional, and spatial information, amino acid conservation, physicochemical variation, residue mobility, and thermodynamic stability) performed at Invitae indicates that this missense variant is not expected to disrupt PEX26 protein function with a negative predictive value of 80%. In summary, the available evidence is currently insufficient to determine the role of this variant in disease. Therefore, it has been classified as a Variant of Uncertain Significance.

NM_001127649.3(PEX26):c.224C>G (p.Ala75Gly)

Gene: PEX26 (peroxisomal biogenesis factor 26; plus strand). Cytogenetic location: 22q11.21.
Variant type: single nucleotide variant.
Coding change: c.224C>G on transcript NM_001127649.3 (MANE Select); coding-DNA position 224, C replaced by G.
Protein change: p.Ala75Gly; replaces alanine 75 with glycine.
Molecular consequence: missense variant.
Genome position (GRCh38, 1-based): chr22:18,078,600, C>G. VCF-style: chr22-18078600-C-G. GRCh37 (hg19) VCF-style: chr22-18561366-C-G.
Other names: c.224C>G, p.Ala75Gly (NM_001199319.2, NM_017929.6); short protein forms A75G.
Identifiers: ClinVar variation 2001403 (VCV002001403.4), dbSNP rs1256569587, ClinGen allele CA410265380.